The following is an entry in ClinVar:

NM_001164277.2(SLC37A4):c.986-1G>A

Gene: SLC37A4 (solute carrier family 37 member 4; minus strand). Cytogenetic location: 11q23.3.
Variant type: single nucleotide variant.
Coding change: c.986-1G>A on transcript NM_001164277.2 (MANE Select); the canonical splice acceptor site of the intron before coding-DNA position 986, G replaced by A.
Molecular consequence: splice acceptor variant.
Genome position (GRCh38, 1-based): chr11:119,025,330, C>T on the plus strand (G>A on the coding strand, the complement: SLC37A4 is on the minus strand). VCF-style: chr11-119025330-C-T. GRCh37 (hg19) VCF-style: chr11-118896040-C-T.
Other names: c.767-1G>A (NM_001164279.2); c.986-1G>A (NM_001467.6, NM_001164280.2); c.1052-1G>A (NM_001164278.2).
Identifiers: ClinVar variation 2792963 (VCV002792963.3), dbSNP rs1451674068, ClinGen allele CA382896472.

ClinVar aggregate classification (germline): Likely pathogenic (1 of 4 stars; one submission).

Conditions:
Glucose-6-phosphate transport defect (GSD1B). Also called: Glycogen Storage Disease Type Ib; GSD Ib. Identifiers: Orphanet 364, Orphanet 79259, MedGen C0268146, MONDO:0009288, OMIM 232220.

Allele frequency attached by ClinVar (database versions not stated): TOPMed below 0.00001.

Submission:

Labcorp Genetics (formerly Invitae), Labcorp
Classification: Likely pathogenic for Glucose-6-phosphate transport defect. Last evaluated: 2023-01-17. Review status: criteria provided, single submitter. Criteria: Invitae Variant Classification Sherloc (09022015). Collection method: clinical testing. Allele origin: germline.
Comment: In summary, the currently available evidence indicates that the variant is pathogenic, but additional data are needed to prove that conclusively. Therefore, this variant has been classified as Likely Pathogenic. Studies have shown that disruption of this splice site results in activation of a cryptic splice site or skipping of exon 9 (also known as exon 8) and introduces a premature termination codon (PMID: 16490377). The resulting mRNA is expected to undergo nonsense-mediated decay. Disruption of this splice site has been observed in individual(s) with clinical features of glycogen storage disease type Ib (PMID: 16490377). This variant is not present in population databases (gnomAD no frequency). This sequence change affects an acceptor splice site in intron 8 of the SLC37A4 gene. RNA analysis indicates that disruption of this splice site induces altered splicing and may result in an absent or disrupted protein product.

Literature cited by the submitters: PubMed 16490377.